The following is an entry in ClinVar:

ClinVar aggregate classification (germline): Pathogenic (1 of 4 stars; one submission).

Conditions:
Birt-Hogg-Dube syndrome. Also called: Birt Hogg Dubé syndrome. Identifiers: Orphanet 122, MedGen C0346010, MONDO:0800444.

Submission:

Myriad Genetics, Inc.
Classification: Pathogenic for Birt-Hogg-Dube syndrome 1. Last evaluated: 2023-01-18. Review status: criteria provided, single submitter. Criteria: Myriad Autosomal Dominant, Autosomal Recessive and X-Linked Classification Criteria (2023). Collection method: clinical testing. Allele origin: unknown.
Comment: This variant is considered pathogenic. This variant creates a frameshift predicted to result in premature protein truncation.

NM_144997.7(FLCN):c.1286_1287delinsCAT (p.His429fs)

Gene: FLCN (folliculin; minus strand). Cytogenetic location: 17p11.2.
Variant type: Indel.
Coding change: c.1286_1287delinsCAT on transcript NM_144997.7 (MANE Select); coding-DNA positions 1286 to 1287, AC replaced by CAT.
Protein change: p.His429fs; shifts the reading frame from histidine 429.
Molecular consequence: frameshift variant.
Genome position (GRCh38, 1-based): chr17:17,216,393-17,216,394, GT replaced by ATG on the plus strand (AC replaced by CAT on the coding strand, the reverse complement: FLCN is on the minus strand). VCF-style: chr17-17216393-GT-ATG. GRCh37 (hg19) VCF-style: chr17-17119707-GT-ATG.
Other names: c.1340_1341delinsCAT, p.His447fs (NM_001353229.2); c.1286_1287delinsCAT, p.His429fs (NM_001353230.2, NM_001353231.2); short protein forms H429fs, H447fs.
Identifiers: ClinVar variation 2431330 (VCV002431330.1), dbSNP rs2544161279, ClinGen allele CA2580092717.